The following is an entry in ClinVar:

ClinVar aggregate classification (germline): Uncertain significance (1 of 4 stars; one submission).

Conditions:
Hereditary pancreatitis (PCTT). Also called: Hereditary chronic pancreatitis; PRSS1-Related Hereditary Pancreatitis. Identifiers: Orphanet 676, MedGen C0238339, MONDO:0008185, OMIM 167800.

Submission:

Ambry Genetics
Classification: Uncertain significance for Hereditary pancreatitis. Last evaluated: 2022-05-31. Review status: criteria provided, single submitter. Criteria: Ambry Variant Classification Scheme 2023. Collection method: clinical testing. Allele origin: germline.
Comment: The p.E412K variant (also known as c.1234G>A), located in coding exon 10 of the CPA1 gene, results from a G to A substitution at nucleotide position 1234. The glutamic acid at codon 412 is replaced by lysine, an amino acid with similar properties. This amino acid position is conserved. In addition, this alteration is predicted to be tolerated by in silico analysis. Since supporting evidence is limited at this time, the clinical significance of this alteration remains unclear.

NM_001868.4(CPA1):c.1234G>A (p.Glu412Lys)

Gene: CPA1 (carboxypeptidase A1; plus strand). Cytogenetic location: 7q32.2.
Variant type: single nucleotide variant.
Coding change: c.1234G>A on transcript NM_001868.4 (MANE Select); coding-DNA position 1234, G replaced by A.
Protein change: p.Glu412Lys; replaces glutamic acid 412 with lysine.
Molecular consequence: missense variant.
Genome position (GRCh38, 1-based): chr7:130,387,985, G>A. VCF-style: chr7-130387985-G-A. GRCh37 (hg19) VCF-style: chr7-130027826-G-A.
Other names: short protein forms E412K.
Identifiers: ClinVar variation 1756439 (VCV001756439.2), dbSNP rs2536015604, ClinGen allele CA369284608.